The following is an entry in ClinVar:

NM_032043.3(BRIP1):c.1936-15A>C

Gene: BRIP1 (BRCA1 interacting DNA helicase 1; minus strand). Cytogenetic location: 17q23.2.
Variant type: single nucleotide variant.
Coding change: c.1936-15A>C on transcript NM_032043.3 (MANE Select); 15 bases into the intron before coding-DNA position 1936, A replaced by C.
Molecular consequence: intron variant.
Genome position (GRCh38, 1-based): chr17:61,776,577, T>G on the plus strand (A>C on the coding strand, the complement: BRIP1 is on the minus strand). VCF-style: chr17-61776577-T-G. GRCh37 (hg19) VCF-style: chr17-59853938-T-G.
Identifiers: ClinVar variation 3378853 (VCV003378853.1).

ClinVar aggregate classification (germline): Likely benign (1 of 4 stars; one submission).

Conditions:
Familial cancer of breast. Also called: hereditary breast carcinoma; Hereditary breast cancer; BREAST CANCER, FAMILIAL. Identifiers: Orphanet 227535, MedGen C0346153, MONDO:0016419, OMIM 114480. Disease mechanism: loss of function.

Submission:

Myriad Genetics, Inc.
Classification: Likely benign for Familial cancer of breast. Last evaluated: 2024-08-30. Review status: criteria provided, single submitter. Criteria: Myriad Autosomal Dominant, Autosomal Recessive and X-Linked Classification Criteria (2023). Collection method: clinical testing. Allele origin: unknown.
Comment: This variant is considered likely benign. This variant is intronic and is not expected to impact mRNA splicing.